The following is an entry in ClinVar:

NM_003201.3(TFAM):c.278A>T (p.Asp93Val)

Gene: TFAM (transcription factor A, mitochondrial; plus strand). Cytogenetic location: 10q21.1.
Variant type: single nucleotide variant.
Coding change: c.278A>T on transcript NM_003201.3 (MANE Select); coding-DNA position 278, A replaced by T.
Protein change: p.Asp93Val; replaces aspartic acid 93 with valine.
Molecular consequence: missense variant. On other transcripts: non-coding transcript variant (1).
Genome position (GRCh38, 1-based): chr10:58,388,247, A>T. VCF-style: chr10-58388247-A-T. GRCh37 (hg19) VCF-style: chr10-60148007-A-T.
Other names: c.278A>T, p.Asp93Val (NM_001270782.2); short protein forms D93V.
Identifiers: ClinVar variation 3383753 (VCV003383753.1).

ClinVar aggregate classification (germline): Uncertain significance (1 of 4 stars; one submission).

Submission:

GeneDx
Classification: Uncertain significance. Last evaluated: 2024-05-31. Review status: criteria provided, single submitter. Criteria: GeneDx Variant Classification Process June 2021. Collection method: clinical testing. Allele origin: germline. Affected: yes.
Comment: Not observed at significant frequency in large population cohorts (gnomAD); In silico analysis supports that this missense variant has a deleterious effect on protein structure/function; Has not been previously published as pathogenic or benign to our knowledge